The following is an entry in ClinVar:

NM_005732.4(RAD50):c.1432G>T (p.Asp478Tyr)

Gene: RAD50 (RAD50 double strand break repair protein; plus strand). Cytogenetic location: 5q31.1.
Variant type: single nucleotide variant.
Coding change: c.1432G>T on transcript NM_005732.4 (MANE Select); coding-DNA position 1432, G replaced by T.
Protein change: p.Asp478Tyr; replaces aspartic acid 478 with tyrosine.
Molecular consequence: missense variant.
Genome position (GRCh38, 1-based): chr5:132,589,817, G>T. VCF-style: chr5-132589817-G-T. GRCh37 (hg19) VCF-style: chr5-131925509-G-T.
Other names: short protein forms D478Y.
Identifiers: ClinVar variation 4862840 (VCV004862840.1).

ClinVar aggregate classification (germline): Uncertain significance (1 of 4 stars; one submission).

Conditions:
Hereditary cancer-predisposing syndrome. Also called: Neoplastic Syndromes, Hereditary; Tumor predisposition; Hereditary Cancer Syndrome; Hereditary neoplastic syndrome. Identifiers: Orphanet 140162, MedGen C0027672, MeSH D009386, MONDO:0015356.

Submission:

Ambry Genetics
Classification: Uncertain significance for Hereditary cancer-predisposing syndrome. Last evaluated: 2026-04-20. Review status: criteria provided, single submitter. Criteria: Ambry Variant Classification Scheme 2023. Collection method: clinical testing. Allele origin: germline.
Comment: The p.D478Y variant (also known as c.1432G>T), located in coding exon 9 of the RAD50 gene, results from a G to T substitution at nucleotide position 1432. The aspartic acid at codon 478 is replaced by tyrosine, an amino acid with highly dissimilar properties. This amino acid position is conserved. In addition, this alteration is predicted to be tolerated by in silico analysis. Based on the available evidence, the clinical significance of this variant remains unclear.